The following is an entry in ClinVar:

NM_000384.3(APOB):c.741C>T (p.Tyr247=)

Gene: APOB (apolipoprotein B; minus strand). Cytogenetic location: 2p24.1.
Variant type: single nucleotide variant.
Coding change: c.741C>T on transcript NM_000384.3 (MANE Select); coding-DNA position 741, C replaced by T.
Protein change: p.Tyr247=; no amino-acid change (tyrosine 247 retained).
Molecular consequence: synonymous variant.
Genome position (GRCh38, 1-based): chr2:21,035,661, G>A on the plus strand (C>T on the coding strand, the complement: APOB is on the minus strand). VCF-style: chr2-21035661-G-A. GRCh37 (hg19) VCF-style: chr2-21258533-G-A.
Identifiers: ClinVar variation 808698 (VCV000808698.18), dbSNP rs753975855, ClinGen allele CA064420.

ClinVar aggregate classification (germline): Likely benign. Review status: criteria provided, multiple submitters, no conflicts (2 of 4 stars). 3 submissions from 3 submitters: Likely benign (3). Last evaluated 2025-01-09.

Conditions:
Hypercholesterolemia, autosomal dominant, type B (FHCL2). Also called: Hyperlipoproteinemia Type IIb; Familial hypercholesterolemia 2; APOB-Related Familial Hypercholesterolemia, Autosomal Dominant; Familial Hypercholesterolemia Type B; APOLIPOPROTEIN B-100, FAMILIAL DEFECTIVE; APOLIPOPROTEIN B-100, FAMILIAL LIGAND-DEFECTIVE. Identifiers: MedGen C1704417, MONDO:0007751, OMIM 144010.
Familial hypobetalipoproteinemia 1. Also called: Hypobetalipoproteinemia, normotriglyceridemic; Acanthocytosis with hypobetalipoproteinemia; APOB-Related Familial Hypobetalipoproteinemia. Identifiers: MedGen C4551990, MONDO:0014252, OMIM 615558.
Cardiovascular phenotype. Identifiers: MedGen CN230736.
Familial hypercholesterolemia. Also called: Familial hypercholesterolemias; Familial hypercholesterolaemia. Identifiers: MedGen C0020445, MONDO:0005439.

Allele frequency attached by ClinVar (database versions not stated): TOPMed below 0.00001; gnomAD exomes 0.00001; ExAC 0.00002; gnomAD 0.00002.
gnomAD v4.1: 11 of 1,613,966 alleles (0.00068%); highest among the groups gnomAD compares: African/African-American, 0.0013%; no homozygotes.

Submissions (3):

GENinCode PLC
Classification: Likely benign for Familial hypercholesterolemia. Last evaluated: 2025-01-09. Review status: criteria provided, single submitter. Criteria: ACMG Guidelines, 2015. Collection method: clinical testing. Allele origin: germline.
Comment: This is a synonymous (silent) variant that is not predicted to impact splicing and occurs at a nucleotide which is not highly conserved. This variant has been classified as Likely Benign (BP4, BP7).

Labcorp Genetics (formerly Invitae), Labcorp
Classification: Likely benign for Familial hypobetalipoproteinemia 1; Hypercholesterolemia, autosomal dominant, type B. Last evaluated: 2024-11-09. Review status: criteria provided, single submitter. Criteria: Invitae Variant Classification Sherloc (09022015). Collection method: clinical testing. Allele origin: germline.

Ambry Genetics
Classification: Likely benign for Cardiovascular phenotype. Last evaluated: 2019-12-05. Review status: criteria provided, single submitter. Criteria: Ambry Variant Classification Scheme 2023. Collection method: clinical testing. Allele origin: germline.